The following is an entry in ClinVar:

ClinVar aggregate classification (germline): Uncertain significance (1 of 4 stars; one submission).

Allele frequency attached by ClinVar (database versions not stated): gnomAD exomes below 0.00001.

Submission:

Labcorp Genetics (formerly Invitae), Labcorp
Classification: Uncertain significance. Last evaluated: 2024-10-28. Review status: criteria provided, single submitter. Criteria: Invitae Variant Classification Sherloc (09022015). Collection method: clinical testing. Allele origin: germline.
Comment: This sequence change replaces alanine, which is neutral and non-polar, with serine, which is neutral and polar, at codon 181 of the MYH14 protein (p.Ala181Ser). This variant is not present in population databases (gnomAD no frequency). This variant has not been reported in the literature in individuals affected with MYH14-related conditions. Invitae Evidence Modeling of protein sequence and biophysical properties (such as structural, functional, and spatial information, amino acid conservation, physicochemical variation, residue mobility, and thermodynamic stability) indicates that this missense variant is not expected to disrupt MYH14 protein function with a negative predictive value of 80%. In summary, the available evidence is currently insufficient to determine the role of this variant in disease. Therefore, it has been classified as a Variant of Uncertain Significance.

NM_001145809.2(MYH14):c.541G>T (p.Ala181Ser)

Gene: MYH14 (myosin heavy chain 14; plus strand). Cytogenetic location: 19q13.33.
Variant type: single nucleotide variant.
Coding change: c.541G>T on transcript NM_001145809.2 (MANE Select); coding-DNA position 541, G replaced by T.
Protein change: p.Ala181Ser; replaces alanine 181 with serine.
Molecular consequence: missense variant.
Genome position (GRCh38, 1-based): chr19:50,217,750, G>T. VCF-style: chr19-50217750-G-T. GRCh37 (hg19) VCF-style: chr19-50721007-G-T.
Other names: c.541G>T, p.Ala181Ser (NM_001077186.2, NM_024729.4); short protein forms A181S.
Identifiers: ClinVar variation 3007079 (VCV003007079.3), dbSNP rs1442511595, ClinGen allele CA406948103.